The following is an entry in ClinVar:

NM_022051.3(EGLN1):c.413T>G (p.Val138Gly)

Gene: EGLN1 (egl-9 family hypoxia inducible factor 1; minus strand). Cytogenetic location: 1q42.2.
Variant type: single nucleotide variant.
Coding change: c.413T>G on transcript NM_022051.3 (MANE Select); coding-DNA position 413, T replaced by G.
Protein change: p.Val138Gly; replaces valine 138 with glycine.
Molecular consequence: missense variant.
Genome position (GRCh38, 1-based): chr1:231,421,476, A>C on the plus strand (T>G on the coding strand, the complement: EGLN1 is on the minus strand). VCF-style: chr1-231421476-A-C. GRCh37 (hg19) VCF-style: chr1-231557222-A-C.
Other names: c.413T>G, p.Val138Gly (NM_001377260.1, NM_001377261.1); short protein forms V138G.
Identifiers: ClinVar variation 1738153 (VCV001738153.5), dbSNP rs1408448213, ClinGen allele CA345237164.

ClinVar aggregate classification (germline): Uncertain significance. Review status: criteria provided, multiple submitters, no conflicts (2 of 4 stars). 2 submissions from 2 submitters: Uncertain significance (2). Last evaluated 2025-04-17.

Conditions:
Erythrocytosis, familial, 3 (ECYT3). Identifiers: Orphanet 247511, MedGen C1853286, MONDO:0012353, OMIM 609820.

Allele frequency attached by ClinVar (database versions not stated): 1000 Genomes Project 30x 0.00047.

Submissions (2):

Labcorp Genetics (formerly Invitae), Labcorp
Classification: Uncertain significance for Erythrocytosis, familial, 3. Last evaluated: 2025-04-17. Review status: criteria provided, single submitter. Criteria: Invitae Variant Classification Sherloc (09022015). Collection method: clinical testing. Allele origin: germline.
Comment: This sequence change replaces valine, which is neutral and non-polar, with glycine, which is neutral and non-polar, at codon 138 of the EGLN1 protein (p.Val138Gly). This variant is present in population databases (no rsID available, gnomAD 0.009%). This variant has not been reported in the literature in individuals affected with EGLN1-related conditions. ClinVar contains an entry for this variant (Variation ID: 1738153). An algorithm developed to predict the effect of missense changes on protein structure and function (PolyPhen-2) suggests that this variant is likely to be tolerated. In summary, the available evidence is currently insufficient to determine the role of this variant in disease. Therefore, it has been classified as a Variant of Uncertain Significance.

Ambry Genetics
Classification: Uncertain significance. Last evaluated: 2023-12-14. Review status: criteria provided, single submitter. Criteria: Ambry Variant Classification Scheme 2023. Collection method: clinical testing. Allele origin: germline.
Comment: The p.V138G variant (also known as c.413T>G), located in coding exon 1 of the EGLN1 gene, results from a T to G substitution at nucleotide position 413. The valine at codon 138 is replaced by glycine, an amino acid with dissimilar properties. This amino acid position is conserved. In addition, this alteration is predicted to be tolerated by in silico analysis. Since supporting evidence is limited at this time, the clinical significance of this alteration remains unclear.